The following is an entry in ClinVar:

ClinVar aggregate classification (germline): Likely pathogenic (1 of 4 stars; one submission).

Conditions:
Familial adenomatous polyposis 1 (FAP1). Also called: FAMILIAL ADENOMATOUS POLYPOSIS 1, ATTENUATED; POLYPOSIS, ADENOMATOUS INTESTINAL. Identifiers: MedGen C2713442, MONDO:0021056, OMIM 175100. Disease mechanism: loss of function.

Allele frequency attached by ClinVar (database versions not stated): gnomAD 0.00001.
gnomAD v4.1: 1 of 1,600,580 alleles (0.000062%); highest among the groups gnomAD compares: African/African-American, 0.0013%; no homozygotes.

Submission:

Myriad Genetics, Inc.
Classification: Likely pathogenic for Familial adenomatous polyposis 1. Last evaluated: 2023-05-01. Review status: criteria provided, single submitter. Criteria: Myriad Autosomal Dominant, Autosomal Recessive and X-Linked Classification Criteria (2023). Collection method: clinical testing. Allele origin: unknown.
Comment: This variant is considered likely pathogenic. This variant occurs within a consensus splice junction and is predicted to result in abnormal mRNA splicing of either an out-of-frame exon or an in-frame exon necessary for protein stability and/or normal function.

NM_000038.6(APC):c.1408+1G>A

Gene: APC (APC regulator of Wnt signaling pathway; plus strand). Cytogenetic location: 5q22.2.
Variant type: single nucleotide variant.
Coding change: c.1408+1G>A on transcript NM_000038.6 (MANE Select); the canonical splice donor site of the intron after coding-DNA position 1408, G replaced by A.
Molecular consequence: splice donor variant.
Genome position (GRCh38, 1-based): chr5:112,821,992, G>A. VCF-style: chr5-112821992-G-A. GRCh37 (hg19) VCF-style: chr5-112157689-G-A.
Other names: c.1408+1G>A (NM_001407449.1, NM_001127510.3, NM_001354896.2 and 4 more transcripts); c.1105+1G>A (NM_001407455.1, NM_001407459.1, NM_001407454.1 and 5 more transcripts); c.1333+1G>A (NM_001407451.1, NM_001354898.2); c.1030+1G>A (NM_001354904.2); c.559+1G>A (NM_001354906.2, NM_001407470.1); c.256+1G>A (NM_001407471.1, NM_001407472.1); c.1324+1G>A (NM_001354899.2, NM_001407452.1); c.1021+1G>A (NM_001407467.1, NM_001407469.1); and 5 more.
Identifiers: ClinVar variation 2584279 (VCV002584279.2), dbSNP rs1037746738, ClinGen allele CA360619755.